The following is an entry in ClinVar:

ClinVar aggregate classification (germline): Pathogenic. Review status: criteria provided, multiple submitters, no conflicts (2 of 4 stars). 2 submissions from 2 submitters: Pathogenic (2). Last evaluated 2025-03-09.

Conditions:
Cardiovascular phenotype. Identifiers: MedGen CN230736.
Hereditary cancer-predisposing syndrome. Also called: Neoplastic Syndromes, Hereditary; Tumor predisposition; Hereditary neoplastic syndrome; Hereditary Cancer Syndrome. Identifiers: Orphanet 140162, MedGen C0027672, MeSH D009386, MONDO:0015356.
Neurofibromatosis, type 1 (NF1). Also called: VON RECKLINGHAUSEN DISEASE; NEUROFIBROMATOSIS, TYPE I, SOMATIC; Peripheral type neurofibromatosis; Neurofibromatosis, type I. Identifiers: Orphanet 636, MedGen C0027831, MONDO:0018975, OMIM 162200. Disease mechanism: loss of function.

gnomAD v4.1: 1 of 1,608,746 alleles (0.000062%); highest among the groups gnomAD compares: Non-Finnish European, 0.000085%; no homozygotes.

Submissions (2):

Labcorp Genetics (formerly Invitae), Labcorp
Classification: Pathogenic for Neurofibromatosis, type 1. Last evaluated: 2025-03-09. Review status: criteria provided, single submitter. Criteria: Invitae Variant Classification Sherloc (09022015). Collection method: clinical testing. Allele origin: germline.
Comment: This sequence change replaces alanine, which is neutral and non-polar, with serine, which is neutral and polar, at codon 2253 of the NF1 protein (p.Ala2253Ser). RNA analysis indicates that this missense change induces altered splicing and may result in an absent or altered protein product. This variant is not present in population databases (gnomAD no frequency). This missense change has been observed in individual(s) with neurofibromatosis type 1 (PMID: 29618358, 30308447, 32052251; internal data). This variant is also known as c.6820G>T (p.Ala2274Ser). ClinVar contains an entry for this variant (Variation ID: 527433). An algorithm developed to predict the effect of missense changes on protein structure and function (PolyPhen-2) suggests that this variant is likely to be tolerated. Studies have shown that this missense change results in skipping of exon 45, and produces a non-functional protein and/or introduces a premature termination codon (internal data). For these reasons, this variant has been classified as Pathogenic.

Ambry Genetics
Classification: Pathogenic for Cardiovascular phenotype; Hereditary cancer-predisposing syndrome. Last evaluated: 2022-02-18. Review status: criteria provided, single submitter. Criteria: Ambry Variant Classification Scheme 2023. Collection method: clinical testing. Allele origin: germline.
Comment: The c.6757G>T mutation (also known as p.A2253S), located in coding exon 45 of the NF1 gene, results from a G to T substitution at nucleotide position 6757. The alanine at codon 2253 is replaced by serine, an amino acid with similar properties. However, this change occurs in the first base pair of coding exon 45, which means it may have some effect on normal mRNA splicing. This mutation has been detected in multiple individuals with a clinical diagnosis or suspicion of neurofibromatosis type 1; it was reported to be de novo in one individual (Corsello G et al. Ital J Pediatr, 2018 Apr;44:45; Tsipi M et al. J Neurol Sci, 2018 12;395:95-105; Ambry internal data). This nucleotide position is highly conserved in available vertebrate species. This variant is considered to be rare based on population cohorts in the Genome Aggregation Database (gnomAD). In silico splice site analysis predicts that this alteration may weaken the native splice acceptor site. In addition, RNA studies have demonstrated that this alteration results in abnormal splicing in the set of samples tested (Ambry internal data). Based on the supporting evidence, this alteration is interpreted as a disease-causing mutation.

Literature cited by the submitters: PubMed 29618358 (cited by Labcorp Genetics (formerly Invitae), Labcorp); PubMed 30308447 (cited by Labcorp Genetics (formerly Invitae), Labcorp); PubMed 32052251 (cited by Labcorp Genetics (formerly Invitae), Labcorp).

NM_001042492.3(NF1):c.6820G>T (p.Ala2274Ser)

Gene: NF1 (neurofibromin 1; plus strand). Cytogenetic location: 17q11.2.
Variant type: single nucleotide variant.
Coding change: c.6820G>T on transcript NM_001042492.3 (MANE Select); coding-DNA position 6820, G replaced by T.
Protein change: p.Ala2274Ser; replaces alanine 2274 with serine.
Molecular consequence: missense variant.
Genome position (GRCh38, 1-based): chr17:31,338,704, G>T. VCF-style: chr17-31338704-G-T. GRCh37 (hg19) VCF-style: chr17-29665722-G-T.
Other names: c.6757G>T, p.Ala2253Ser (NM_000267.4); short protein forms A2253S, A2274S.
Identifiers: ClinVar variation 527433 (VCV000527433.9), dbSNP rs1555535023, ClinGen allele CA399014239.